The following is an entry in ClinVar:

NM_001042492.3(NF1):c.4778del (p.Phe1593fs)

Gene: NF1 (neurofibromin 1; plus strand). Cytogenetic location: 17q11.2.
Variant type: Deletion.
Coding change: c.4778del on transcript NM_001042492.3 (MANE Select); coding-DNA position 4778, one base deleted (T; older notation c.4778delT).
Protein change: p.Phe1593fs; shifts the reading frame from phenylalanine 1593.
Molecular consequence: frameshift variant.
Genome position (GRCh38, 1-based): chr17:31,265,282, T deleted; the last of 4 consecutive T bases (chr17:31,265,279-31,265,282); deleting any one gives the same sequence. VCF-style (leftmost placement, unchanged base first): chr17-31265278-AT-A. GRCh37 (hg19) VCF-style: chr17-29592296-AT-A.
Other names: c.4715delT, p.Phe1572Serfs (NM_000267.4); short protein forms F1572fs, F1593fs.
Identifiers: ClinVar variation 935040 (VCV000935040.20), dbSNP rs2067765927, ClinGen allele CA1139665377.

ClinVar aggregate classification (germline): Pathogenic. Review status: criteria provided, multiple submitters, no conflicts (2 of 4 stars). 2 submissions from 2 submitters: Pathogenic (2). Last evaluated 2024-11-01.

Conditions:
Neurofibromatosis, type 1 (NF1). Also called: NEUROFIBROMATOSIS, TYPE I, SOMATIC; Peripheral type neurofibromatosis; Neurofibromatosis, type I; VON RECKLINGHAUSEN DISEASE. Identifiers: Orphanet 636, MedGen C0027831, MONDO:0018975, OMIM 162200. Disease mechanism: loss of function.

Submissions (2):

CeGaT Center for Human Genetics Tuebingen
Classification: Pathogenic. Last evaluated: 2024-11-01. Review status: criteria provided, single submitter. Criteria: CeGaT Center For Human Genetics Tuebingen Variant Classification Criteria Version 2. Collection method: clinical testing. Allele origin: germline. Affected: yes. Observed: 1 variant allele.
Comment: NF1: PVS1, PM2

Labcorp Genetics (formerly Invitae), Labcorp
Classification: Pathogenic for Neurofibromatosis, type 1. Last evaluated: 2019-10-02. Review status: criteria provided, single submitter. Criteria: Invitae Variant Classification Sherloc (09022015). Collection method: clinical testing. Allele origin: germline.
Comment: This variant has not been reported in the literature in individuals with NF1-related conditions. Loss-of-function variants in NF1 are known to be pathogenic (PMID: 10712197, 23913538). For these reasons, this variant has been classified as Pathogenic. This variant is not present in population databases (ExAC no frequency). This sequence change creates a premature translational stop signal (p.Phe1572Serfs*31) in the NF1 gene. It is expected to result in an absent or disrupted protein product.

Literature cited by the submitters: PubMed 10712197 (cited by Labcorp Genetics (formerly Invitae), Labcorp); PubMed 23913538 (cited by Labcorp Genetics (formerly Invitae), Labcorp).